The following is an entry in ClinVar:

NM_000540.3(RYR1):c.2677_2679delinsAGG (p.Gly893Arg)

Gene: RYR1 (ryanodine receptor 1; plus strand). Cytogenetic location: 19q13.2.
Variant type: Indel.
Coding change: c.2677_2679delinsAGG on transcript NM_000540.3 (MANE Select); coding-DNA positions 2677 to 2679, GGC replaced by AGG.
Protein change: p.Gly893Arg; replaces glycine 893 with arginine.
Molecular consequence: missense variant.
Genome position (GRCh38, 1-based): chr19:38,463,522-38,463,524, GGC replaced by AGG. VCF-style: chr19-38463522-GGC-AGG. GRCh37 (hg19) VCF-style: chr19-38954162-GGC-AGG.
Other names: c.2677_2679delinsAGG, p.Gly893Arg (NM_001042723.2); short protein forms G893R.
Identifiers: ClinVar variation 3010823 (VCV003010823.4), dbSNP rs2514074558, ClinGen allele CA2740090983.

ClinVar aggregate classification (germline): Uncertain significance. Review status: criteria provided, multiple submitters, no conflicts (2 of 4 stars). 2 submissions from 2 submitters: Uncertain significance (2). Last evaluated 2025-07-14.

Conditions:
Malignant hyperthermia, susceptibility to, 1 (MHS1). Also called: Anesthesia related hyperthermia; Malignant hyperpyrexia; Fulminating hyperpyrexia; Pharmacogenic myopathy; RYR1-Related Malignant Hyperthermia Susceptibility; Malignant hyperthermia suceptibility 1. Identifiers: Orphanet 423, MedGen C2930980, MONDO:0007783, OMIM 145600.
RYR1-related disorder. Also called: RYR1-related condition; RYR1-related disorders. Identifiers: MedGen CN239331.

Submissions (2):

Color Diagnostics, LLC DBA Color Health
Classification: Uncertain significance for Malignant hyperthermia, susceptibility to, 1. Last evaluated: 2025-07-14. Review status: criteria provided, single submitter. Criteria: ACMG Guidelines, 2015. Collection method: clinical testing. Allele origin: germline.
Comment: This missense variant replaces glycine with arginine at codon 893 of the RYR1 protein. To our knowledge, functional studies have not been reported for this variant. This variant has not been reported in individuals affected with RYR1-related disorders in the literature. This variant has not been identified in the general population by the Genome Aggregation Database (gnomAD). The available evidence is insufficient to determine the role of this variant in disease conclusively. Therefore, this variant is classified as a Variant of Uncertain Significance.

Labcorp Genetics (formerly Invitae), Labcorp
Classification: Uncertain significance for RYR1-related disorder. Last evaluated: 2017-06-09. Review status: criteria provided, single submitter. Criteria: Invitae Variant Classification Sherloc (09022015). Collection method: clinical testing. Allele origin: germline.
Comment: This sequence change replaces glycine with arganine at codon 893 of the RYR1 protein (p.Gly893Arg). The glycine residue is highly conserved and there is a small physicochemical difference between glycine and arganine. This variant has not been reported in the literature in individuals with a RYR1-related disease. Algorithms developed to predict the effect of missense changes on protein structure and function do not agree on the potential impact of this missense change (SIFT: "Deleterious"; PolyPhen-2: "Probably Damaging"; Align-GVGD: "Class C15"). In summary, this variant has uncertain impact on RYR1 function. The available evidence is currently insufficient to determine its role in disease. Therefore, it has been classified as a Variant of Uncertain Significance. This variant is reported as two separate single-nucleotide changes in population databases (c.2677G>A, ExAC 0.6% and c.2679C>G, ExAC 0.06% ). However, in the read data for 5/5 individuals displayed in the ExAC browser, these two variants are in cis. This recapitulates the variant observed here (c.2677_2679delinsAGG) and indicates that this variant is very likely present in the population databases at 0.06%.